The following is an entry in ClinVar:

NM_203290.4(POLR1C):c.880AAG[1] (p.Lys295del)

Gene: POLR1C (RNA polymerase I and III subunit C; plus strand). Cytogenetic location: 6p21.1.
Variant type: Microsatellite.
Coding change: c.880AAG[1] on transcript NM_203290.4 (MANE Select); one copy of the 3-base unit AAG starting at c.880; the reference has two copies in a row; one copy, 3 bases deleted; also written c.883_885del.
Protein change: p.Lys295del; deletes lysine 295.
Molecular consequence: inframe deletion.
Genome position (GRCh38, 1-based): chr6:43,521,009-43,521,011, AAG deleted; deleting any 3 consecutive bases within chr6:43,521,006-43,521,011 gives the same sequence; the position shown is the placement nearest the transcript's 3' end. VCF-style (leftmost placement, unchanged base first): chr6-43521005-AAAG-A. GRCh37 (hg19) VCF-style: chr6-43488743-AAAG-A.
Other names: c.883_885del (NM_203290.4); c.883_885delAAG (NM_203290.4, NM_203290.3); c.880AAG[1], p.Lys295del (NM_001318876.2, NM_001363658.2); short protein forms K295del.
Identifiers: ClinVar variation 204590 (VCV000204590.10), dbSNP rs875989826, ClinGen allele CA3825608.

ClinVar aggregate classification (germline): Conflicting classifications of pathogenicity. Review status: criteria provided, conflicting classifications (1 of 4 stars). 6 submissions from 6 submitters: Pathogenic (1); Likely pathogenic (2); Uncertain significance (1). 2 of the submissions do not count toward it. Last evaluated 2024-05-14.

Conditions:
Treacher Collins syndrome 3 (TCS3). Also called: POLR1C-Related Treacher Collins Syndrome. Identifiers: Orphanet 861, MedGen C1855433, MONDO:0009558, OMIM 248390.
Leukodystrophy, hypomyelinating, 11. Identifiers: Orphanet 88637, MedGen C4225305, MONDO:0014666, OMIM 616494.

Submissions (6):

Fulgent Genetics
Classification: Likely pathogenic for Treacher Collins syndrome 3; Leukodystrophy, hypomyelinating, 11. Last evaluated: 2024-05-14. Review status: criteria provided, single submitter. Criteria: ACMG Guidelines, 2015. Collection method: clinical testing. Allele origin: germline.

Women's Health and Genetics/Laboratory Corporation of America, LabCorp
Classification: Uncertain significance. Last evaluated: 2024-05-14. Review status: criteria provided, single submitter. Criteria: LabCorp Variant Classification Summary - May 2015. Collection method: clinical testing. Allele origin: germline.
Comment: Variant summary: POLR1C c.883_885delAAG (p.Lys295del) results in an in-frame deletion that is predicted to remove one amino acid from the encoded protein. The variant allele was found at a frequency of 1.2e-05 in 251486 control chromosomes. c.883_885delAAG has been reported in the literature in compound heterozygous individuals affected with POLR1C-Related Disorders (Gauquelin_2019, Thiffault_2015, Vanderver_2016, Yan_2021). These data indicate that the variant may be associated with disease. To our knowledge, no experimental evidence demonstrating an impact on protein function has been reported. The following publications have been ascertained in the context of this evaluation (PMID: 32042905, 26151409, 27159321, 33597727). ClinVar contains an entry for this variant (Variation ID: 204590). Based on the evidence outlined above, the variant was classified as VUS-possibly pathogenic.

GeneDx
Classification: Likely pathogenic. Last evaluated: 2016-09-16. Review status: criteria provided, single submitter. Criteria: GeneDx Variant Classification (06012015). Collection method: clinical testing. Allele origin: germline. Affected: yes.
Comment: The c.883_885delAAG likely pathogenic variant in the POLR1C gene has been reported previously in associationwith hypomyelinating leukodystrophy in an individual that also harbored a second variant (Thiffault et al., 2015;Vanderver et al., 2016). The c.883_885delAAG variant causes an in-frame deletion of one amino acid, Lysine 295,denoted p.Lys295del. Lysine is conserved at this position among mammals. The c.883_885delAAG variant was notobserved in approximately 6500 individuals of European and African American ancestry in the NHLBI ExomeSequencing Project, indicating it is not a common benign variant in these populations. Therefore, thec.883_885delAAG variant is a strong candidate for a pathogenic variant, however the possibility it may be a rarebenign variant cannot be excluded.

MyeliNeuroGene Lab, McGill University Health Center Research Institute
Classification: Pathogenic for Leukodystrophy, hypomyelinating, 11. Review status: criteria provided, single submitter. Criteria: ACMG Guidelines, 2015. Collection method: research. Allele origin: inherited. Inheritance: Autosomal recessive inheritance. Affected: no.

OMIM
Classification: Pathogenic for LEUKODYSTROPHY, HYPOMYELINATING, 11. Last evaluated: 2015-07-07. Review status: no assertion criteria provided. Collection method: literature only. Allele origin: germline. Not counted in ClinVar's aggregate classification.

GeneReviews
No classification provided. Condition: Leukodystrophy, hypomyelinating, 11. Review status: no classification provided. Collection method: literature only. Allele origin: germline. Not counted in ClinVar's aggregate classification.

Literature cited by the submitters: PubMed 32042905 (cited by Women's Health and Genetics/Laboratory Corporation of America, LabCorp); PubMed 26151409 (cited by 3 submitters); PubMed 27159321 (cited by Women's Health and Genetics/Laboratory Corporation of America, LabCorp); PubMed 33597727 (cited by Women's Health and Genetics/Laboratory Corporation of America, LabCorp); PubMed 610060 (cited by MyeliNeuroGene Lab, McGill University Health Center Research Institute); PubMed 22855961 (cited by GeneReviews).